The following is an entry in ClinVar:

NM_000719.7(CACNA1C):c.431A>G (p.Tyr144Cys)

Gene: CACNA1C (calcium voltage-gated channel subunit alpha1 C; plus strand). Cytogenetic location: 12p13.33.
Variant type: single nucleotide variant.
Coding change: c.431A>G on transcript NM_000719.7 (MANE Select); coding-DNA position 431, A replaced by G.
Protein change: p.Tyr144Cys; replaces tyrosine 144 with cysteine.
Molecular consequence: missense variant.
Genome position (GRCh38, 1-based): chr12:2,120,384, A>G. VCF-style: chr12-2120384-A-G. GRCh37 (hg19) VCF-style: chr12-2229550-A-G.
Other names: c.431A>G, p.Tyr144Cys (NM_001129827.2, NM_001129829.2, NM_001129830.3 and 19 more transcripts); short protein forms Y144C.
Identifiers: ClinVar variation 4882722 (VCV004882722.2).

ClinVar aggregate classification (germline): Uncertain significance (1 of 4 stars; one submission).

gnomAD v4.1: 1 of 1,611,826 alleles (0.000062%); highest among the groups gnomAD compares: Non-Finnish European, 0.000085%; no homozygotes.

Submission:

Dasa
Classification: Uncertain significance. Last evaluated: 2025-06-07. Review status: criteria provided, single submitter. Criteria: DASA Assertion Criteria. Collection method: clinical testing. Allele origin: germline.
Comment: NM_000719.7(CACNA1C):c.431A>G (p.Tyr144Cys) is a missense variant that results in the substitution of tyrosine with cysteine. This variant is rare in population databases. Computational prediction algorithms are consistent with a deleterious effect. The currently available literature and clinical evidence are not sufficient to establish a definitive association between this variant and the reported condition. Therefore, this variant is classified as a variant of uncertain significance.